The following is an entry in ClinVar:

NM_015978.3(TNNI3K):c.1473-9dup

Genes: FPGT-TNNI3K (FPGT-TNNI3K readthrough; plus strand), TNNI3K (TNNI3 interacting kinase; plus strand). Cytogenetic location: 1p31.1.
Variant type: Duplication.
Coding change: c.1473-9dup on transcript NM_015978.3 (MANE Select); 9 bases into the intron before coding-DNA position 1473, one base duplicated (C; older notation c.1473-9dupC).
Molecular consequence: intron variant.
Genome position (GRCh38, 1-based): chr1:74,369,382, C duplicated; the last of 2 consecutive C bases (chr1:74,369,381-74,369,382); duplicating either gives the same sequence. VCF-style (leftmost placement, unchanged base first): chr1-74369380-G-GC. GRCh37 (hg19) VCF-style: chr1-74835064-G-GC.
Other names: c.1776-9dup (NM_001112808.3, NM_001199327.2).
Identifiers: ClinVar variation 4690471 (VCV004690471.1).

ClinVar aggregate classification (germline): Uncertain significance (1 of 4 stars; one submission).

Submission:

Labcorp Genetics (formerly Invitae), Labcorp
Classification: Uncertain significance. Last evaluated: 2025-08-06. Review status: criteria provided, single submitter. Criteria: Invitae Variant Classification Sherloc (09022015). Collection method: clinical testing. Allele origin: germline.
Comment: This sequence change falls in intron 15 of the TNNI3K gene. It does not directly change the encoded amino acid sequence of the TNNI3K protein. This variant is present in population databases (rs777608929, gnomAD 0.01%). This variant has not been reported in the literature in individuals affected with TNNI3K-related conditions. Algorithms developed to predict the effect of sequence changes on RNA splicing suggest that this variant may disrupt the consensus splice site. In summary, the available evidence is currently insufficient to determine the role of this variant in disease. Therefore, it has been classified as a Variant of Uncertain Significance.